The following is an entry in ClinVar:

NM_001184.4(ATR):c.7298del (p.Pro2433fs)

Gene: ATR (ATR checkpoint kinase; minus strand). Cytogenetic location: 3q23.
Variant type: Deletion.
Coding change: c.7298del on transcript NM_001184.4 (MANE Select); coding-DNA position 7298, one base deleted (C; older notation c.7298delC).
Protein change: p.Pro2433fs; shifts the reading frame from proline 2433.
Molecular consequence: frameshift variant.
Genome position (GRCh38, 1-based): chr3:142,459,278, G deleted on the plus strand (C on the coding strand, the reverse complement: ATR is on the minus strand); the first of 2 consecutive G bases (chr3:142,459,278-142,459,279); deleting either gives the same sequence. VCF-style (leftmost placement, unchanged base first): chr3-142459277-AG-A. GRCh37 (hg19) VCF-style: chr3-142178119-AG-A.
Other names: c.7106del, p.Pro2369fs (NM_001354579.2); short protein forms P2369fs, P2433fs.
Identifiers: ClinVar variation 4759334 (VCV004759334.1).

ClinVar aggregate classification (germline): Likely pathogenic (1 of 4 stars; one submission).

Conditions:
Familial cutaneous telangiectasia and oropharyngeal predisposition cancer syndrome. Identifiers: Orphanet 313846, MedGen C3281203, MONDO:0013806, OMIM 614564.

Submission:

Institute for Genomic Medicine (IGM) Clinical Laboratory, Nationwide Children's Hospital
Classification: Likely pathogenic for Familial cutaneous telangiectasia and oropharyngeal predisposition cancer syndrome. Last evaluated: 2023-01-09. Review status: criteria provided, single submitter. Criteria: ACMG Guidelines, 2015. Collection method: clinical testing. Allele origin: germline.
Comment: This variant is predicted to result in loss of function through nonsense-mediated decay of the encoded transcript or premature truncation of the encoded protein in a gene in which loss of function is a known mechanism of disease (ACMG/AMP: PVS1; PMIDs:22341969, 23144622). This variant is absent from or present at an exceedingly low frequency in gnomAD, a large-scale control population database (ACMG/AMP: PM2).

Literature cited by the submitters: PubMed 22341969; PubMed 23144622.